The following is an entry in ClinVar:

NM_000169.3(GLA):c.288G>A (p.Met96Ile)

Genes: GLA (galactosidase alpha; minus strand), RPL36A-HNRNPH2 (RPL36A-HNRNPH2 readthrough; plus strand). Cytogenetic location: Xq22.1.
Variant type: single nucleotide variant.
Coding change: c.288G>A on transcript NM_000169.3 (MANE Select); coding-DNA position 288, G replaced by A.
Protein change: p.Met96Ile; replaces methionine 96 with isoleucine.
Molecular consequence: missense variant. On other transcripts: non-coding transcript variant (3), intron variant (2).
Genome position (GRCh38, 1-based): chrX:101,403,892, C>T on the plus strand (G>A on the coding strand, the complement: GLA is on the minus strand). VCF-style: chrX-101403892-C-T. GRCh37 (hg19) VCF-style: chrX-100658880-C-T.
Other names: c.411G>A, p.Met137Ile (NM_001406747.1, NM_001406749.1); c.288G>A, p.Met96Ile (NM_001406748.1); c.301-8044C>T (NM_001199973.2); c.178-8044C>T (NM_001199974.2); short protein forms M137I, M96I.
Identifiers: ClinVar variation 4087332 (VCV004087332.3).

ClinVar aggregate classification (germline): Conflicting classifications of pathogenicity. Review status: criteria provided, conflicting classifications (1 of 4 stars). 2 submissions from 2 submitters: Pathogenic (1); Uncertain significance (1). Last evaluated 2026-09-08.

Conditions:
Fabry disease. Also called: ALPHA-GALACTOSIDASE A DEFICIENCY; ANDERSON-FABRY DISEASE; CERAMIDE TRIHEXOSIDASE DEFICIENCY; GLA DEFICIENCY; HEREDITARY DYSTOPIC LIPIDOSIS; Angiokeratoma corporis diffusum. Identifiers: Orphanet 324, MedGen C0002986, MONDO:0010526, OMIM 301500, HP:0001071. Disease mechanism: Fabry disease is due to inactivating mutations in the X-linked GLA gene resulting in deficiency of the enzyme Alpha Galactosidase-A., loss of function.

Submissions (2):

Genomenon, Inc
Classification: Uncertain significance for Fabry disease. Last evaluated: 2026-09-08. Review status: criteria provided, single submitter. Criteria: Genomenon Sequence Variant Interpretation Standards - Updated. Collection method: curation. Allele origin: germline. Affected: yes.
Comment: GLA p.Met96Ile (c.288G>A) is a missense variant that changes the amino acid at codon 96 from Methionine to Isoleucine. This variant has been observed in at least one proband with clinical features consistent with Fabry disease (PMID:27896103;35283375;39260623;27657681;31568064;30988410). The variant was found to segregate with disease in at least one affected family (PMID:35283375). Functional or patient cell studies have been reported (PMID:27896103;27657681). It is absent or not present at a significant frequency in gnomAD. In conclusion, we classify GLA p.Met96Ile (c.288G>A) as a variant of uncertain significance.

Labcorp Genetics (formerly Invitae), Labcorp
Classification: Pathogenic for Fabry disease. Last evaluated: 2025-06-08. Review status: criteria provided, single submitter. Criteria: Invitae Variant Classification Sherloc (09022015). Collection method: clinical testing. Allele origin: germline.
Comment: This sequence change replaces methionine, which is neutral and non-polar, with isoleucine, which is neutral and non-polar, at codon 96 of the GLA protein (p.Met96Ile). This variant is not present in population databases (gnomAD no frequency). This missense change has been observed in individual(s) with Fabry disease (PMID: 27834756, 27896103, 30988410). Invitae Evidence Modeling of protein sequence and biophysical properties (such as structural, functional, and spatial information, amino acid conservation, physicochemical variation, residue mobility, and thermodynamic stability) indicates that this missense variant is not expected to disrupt GLA protein function with a negative predictive value of 80%. For these reasons, this variant has been classified as Pathogenic.

Literature cited by the submitters: PubMed 27896103 (cited by Genomenon, Inc and Labcorp Genetics (formerly Invitae), Labcorp); PubMed 35283375 (cited by Genomenon, Inc); PubMed 39260623 (cited by Genomenon, Inc); PubMed 27657681 (cited by Genomenon, Inc); PubMed 31568064 (cited by Genomenon, Inc); PubMed 30988410 (cited by Genomenon, Inc and Labcorp Genetics (formerly Invitae), Labcorp); PubMed 27834756 (cited by Labcorp Genetics (formerly Invitae), Labcorp).